The following is an entry in ClinVar:

NM_006393.3(NEBL):c.2192dup (p.Thr732fs)

Gene: NEBL (nebulette; minus strand). Cytogenetic location: 10p12.31.
Variant type: Duplication.
Coding change: c.2192dup on transcript NM_006393.3 (MANE Select); coding-DNA position 2192, one base duplicated (T; older notation c.2192dupT).
Protein change: p.Thr732fs; shifts the reading frame from threonine 732.
Molecular consequence: frameshift variant. On other transcripts: intron variant (9).
Genome position (GRCh38, 1-based): chr10:20,815,674, A duplicated on the plus strand (T on the coding strand, the reverse complement: NEBL is on the minus strand). VCF-style (leftmost placement, unchanged base first): chr10-20815673-T-TA. GRCh37 (hg19) VCF-style: chr10-21104602-T-TA.
Other names: c.250-2734dup (NM_001377326.1, NM_001377327.1, NM_001377328.1); c.358-2734dup (NM_213569.2, NM_001173484.2, NM_001377322.1); c.301-2734dup (NM_001377324.1); c.292-2734dup (NM_001377325.1); c.310-2734dup (NM_001377323.1); short protein forms T732fs.
Identifiers: ClinVar variation 2092910 (VCV002092910.4), dbSNP rs2491628481, ClinGen allele CA2580081399.

ClinVar aggregate classification (germline): Uncertain significance (1 of 4 stars; one submission).

Conditions:
Primary dilated cardiomyopathy (DCM). Also called: Dilated Cardiomyopathy. Identifiers: Orphanet 217604, MedGen C0007193, MeSH D002311, MONDO:0005021, HP:0001644. Inheritance: Various modes of inheritance.

Submission:

Labcorp Genetics (formerly Invitae), Labcorp
Classification: Uncertain significance for Primary dilated cardiomyopathy. Last evaluated: 2022-02-04. Review status: criteria provided, single submitter. Criteria: Invitae Variant Classification Sherloc (09022015). Collection method: clinical testing. Allele origin: germline.
Comment: In summary, the available evidence is currently insufficient to determine the role of this variant in disease. Therefore, it has been classified as a Variant of Uncertain Significance. This variant has not been reported in the literature in individuals affected with NEBL-related conditions. This variant is not present in population databases (gnomAD no frequency). This sequence change creates a premature translational stop signal (p.Thr732Asnfs*3) in the NEBL gene. It is expected to result in an absent or disrupted protein product. However, the current clinical and genetic evidence is not sufficient to establish whether loss-of-function variants in NEBL cause disease.